The following is an entry in ClinVar:

NM_006172.4(NPPA):c.410G>A (p.Arg137Lys)

Genes: NPPA (natriuretic peptide A; minus strand), NPPA-AS1 (NPPA antisense RNA 1; plus strand), LOC114827827 (VISTA enhancer hs2123; plus strand). Cytogenetic location: 1p36.22.
Variant type: single nucleotide variant.
Coding change: c.410G>A on transcript NM_006172.4 (MANE Select); coding-DNA position 410, G replaced by A.
Protein change: p.Arg137Lys; replaces arginine 137 with lysine.
Molecular consequence: missense variant.
Genome position (GRCh38, 1-based): chr1:11,847,153, C>T on the plus strand (G>A on the coding strand, the complement: NPPA is on the minus strand). VCF-style: chr1-11847153-C-T. GRCh37 (hg19) VCF-style: chr1-11907210-C-T.
Other names: short protein forms R137K.
Identifiers: ClinVar variation 2813609 (VCV002813609.3), dbSNP rs1410717046, ClinGen allele CA338448894.
Genomic context (GRCh38, chr1:11,847,153, plus strand): 5'-CCATCCCCAGTTCCTCTTACCCGGAAGCTGTTACAGCCCAGTCCGCTCTGGGCTCCAATC[C>T]TGTCCATCCTGCCCCCGAAGCAGCTGGATCTCCGCAGGCTCCGAGGGGCAGTGAGCAGCG-3'
Protein context (NP_006163.1, residues 127-147): RSSCFGGRMD[Arg137Lys]IGAQSGLGCN

ClinVar aggregate classification (germline): Uncertain significance (1 of 4 stars; one submission).

Conditions:
Atrial fibrillation, familial, 6 (ATFB6). Identifiers: MedGen C2677294, MONDO:0012816, OMIM 612201.

Allele frequency attached by ClinVar (database versions not stated): TOPMed below 0.00001.

Submission:

Labcorp Genetics (formerly Invitae), Labcorp
Classification: Uncertain significance for Atrial fibrillation, familial, 6. Last evaluated: 2023-03-30. Review status: criteria provided, single submitter. Criteria: Invitae Variant Classification Sherloc (09022015). Collection method: clinical testing. Allele origin: germline.
Comment: In summary, the available evidence is currently insufficient to determine the role of this variant in disease. Therefore, it has been classified as a Variant of Uncertain Significance. An algorithm developed to predict the effect of missense changes on protein structure and function (PolyPhen-2) suggests that this variant is likely to be disruptive. This variant has not been reported in the literature in individuals affected with NPPA-related conditions. This variant is not present in population databases (gnomAD no frequency). This sequence change replaces arginine, which is basic and polar, with lysine, which is basic and polar, at codon 137 of the NPPA protein (p.Arg137Lys).